The following is an entry in ClinVar:

NM_000548.5(TSC2):c.4508A>C (p.Gln1503Pro)

Gene: TSC2 (TSC complex subunit 2; plus strand). Cytogenetic location: 16p13.3.
Variant type: single nucleotide variant.
Coding change: c.4508A>C on transcript NM_000548.5 (MANE Select); coding-DNA position 4508, A replaced by C.
Protein change: p.Gln1503Pro; replaces glutamine 1503 with proline.
Molecular consequence: missense variant.
Genome position (GRCh38, 1-based): chr16:2,084,965, A>C. VCF-style: chr16-2084965-A-C. GRCh37 (hg19) VCF-style: chr16-2134966-A-C.
Other names: c.4307A>C, p.Gln1436Pro (NM_001077183.3); c.4439A>C, p.Gln1480Pro (NM_001114382.3); c.4199A>C, p.Gln1400Pro (NM_001318827.2); c.4163A>C, p.Gln1388Pro (NM_001318829.2); c.3776A>C, p.Gln1259Pro (NM_001318831.2); c.4340A>C, p.Gln1447Pro (NM_001318832.2); c.4310A>C, p.Gln1437Pro (NM_001363528.2); c.4376A>C, p.Gln1459Pro (NM_001370404.1); and 2 more; short protein forms Q1503P, Q1400P, Q1436P, Q1437P, Q1388P, Q1459P, Q1460P, Q1480P.
Identifiers: ClinVar variation 12401 (VCV000012401.29), dbSNP rs45516293, ClinGen allele CA020573.

ClinVar aggregate classification (germline): Pathogenic/Likely pathogenic. Review status: criteria provided, multiple submitters, no conflicts (2 of 4 stars). 12 submissions from 12 submitters: Pathogenic (6); Likely pathogenic (3). 3 of the submissions do not count toward it. Last evaluated 2025-11-24.

Conditions:
TSC2-related disorder. Also called: TSC2-related condition; TSC2-Related Disorders.
Hereditary cancer-predisposing syndrome. Also called: Neoplastic Syndromes, Hereditary; Tumor predisposition; Hereditary Cancer Syndrome; Hereditary neoplastic syndrome. Identifiers: Orphanet 140162, MedGen C0027672, MeSH D009386, MONDO:0015356.
Tuberous sclerosis syndrome (TSC). Also called: Tuberous Sclerosis Complex; Tuberous sclerosis. Identifiers: Orphanet 805, MedGen C0041341, MONDO:0001734.
Isolated focal cortical dysplasia type II (FCORD2). Also called: Focal cortical dysplasia type II; CORTICAL DYSPLASIA OF TAYLOR. Identifiers: Orphanet 268994, MedGen C1846385, MONDO:0011818, OMIM 607341, HP:0032051.
Tuberous sclerosis 2 (TSC2). Identifiers: Orphanet 805, MedGen C1860707, MONDO:0013199, OMIM 613254.

Submissions (12):

Labcorp Genetics (formerly Invitae), Labcorp
Classification: Pathogenic for Tuberous sclerosis 2. Last evaluated: 2025-11-24. Review status: criteria provided, single submitter. Criteria: Invitae Variant Classification Sherloc (09022015). Collection method: clinical testing. Allele origin: germline.
Comment: This sequence change replaces glutamine, which is neutral and polar, with proline, which is neutral and non-polar, at codon 1503 of the TSC2 protein (p.Gln1503Pro). This variant is not present in population databases (gnomAD no frequency). This missense change has been observed in individual(s) with mild manifestations of tuberous sclerosis complex (TSC) (PMID: 11403047). It has also been observed to segregate with disease in related individuals. Invitae Evidence Modeling of clinical and family history, age, sex, and reported ancestry of multiple individuals with this TSC2 variant has been performed. This variant is expected to be pathogenic with a positive predictive value of at least 99%. This is a validated machine learning model that incorporates the clinical features of 1,224,362 individuals referred to our laboratory for TSC2 testing. ClinVar contains an entry for this variant (Variation ID: 12401). Invitae Evidence Modeling of protein sequence and biophysical properties (such as structural, functional, and spatial information, amino acid conservation, physicochemical variation, residue mobility, and thermodynamic stability) has been performed for this missense variant. However, the output from this modeling did not meet the statistical confidence thresholds required to predict the impact of this variant on TSC2 protein function. Experimental studies have shown that this missense change affects TSC2 function (PMID: 21332470, 22903760). For these reasons, this variant has been classified as Pathogenic.

GeneDx
Classification: Pathogenic. Last evaluated: 2025-06-10. Review status: criteria provided, single submitter. Criteria: GeneDx Variant Classification Process June 2021. Collection method: clinical testing. Allele origin: germline. Affected: yes.
Comment: Reported previously as a heterozygous likely pathogenic variant in a patient with epilepsy; however, no further clinical or segregation information was provided (PMID: 31440721); Published functional studies demonstrate a damaging effect showing that the variant disrupts the function of the TSC1-TSC2 complex (PMID: 22903760, 21332470); In silico analysis supports that this missense variant has a deleterious effect on protein structure/function; Not observed at significant frequency in large population cohorts (gnomAD); This variant is associated with the following publications: (PMID: 19028034, 21332470, 23389244, 11403047, 17120248, 28492532, 30255984, 17304050, 31440721, 22903760)

PreventionGenetics, part of Exact Sciences
Classification: Pathogenic for TSC2-related condition. Last evaluated: 2025-01-02. Review status: criteria provided, single submitter. Criteria: ACMG Guidelines, 2015. Collection method: clinical testing. Allele origin: germline.
Comment: The TSC2 c.4508A>C variant is predicted to result in the amino acid substitution p.Gln1503Pro. This variant has been reported as segregating with disease in two large kindreds with tuberous sclerosis (Khare et al. 2001. PubMed ID: 11403047). Functional studies have shown that the p.Gln1503Pro substitution affects protein function (Wentink et al. 2011. PubMed ID: 21332470; Hoogeveen-Westerveld et al. 2012. PubMed ID: 22903760). This variant has not been reported in a large population database (gnomAD), indicating this variant is rare. This variant is interpreted as pathogenic.

Ambry Genetics
Classification: Pathogenic for Hereditary cancer-predisposing syndrome. Last evaluated: 2024-05-09. Review status: criteria provided, single submitter. Criteria: Ambry Variant Classification Scheme 2023. Collection method: clinical testing. Allele origin: germline.
Comment: The p.Q1503P pathogenic mutation (also known as c.4508A>C), located in coding exon 34 of the TSC2 gene, results from an A to C substitution at nucleotide position 4508. The glutamine at codon 1503 is replaced by proline, an amino acid with similar properties. This pathogenic mutation was identified in two unrelated four-generation families with tuberous sclerosis complex; it co-segregated with the disease in those families (Khare L et al. J. Med. Genet., 2001 May;38:347-9).In one functional study, this alteration was found to disrupt the TSC1-TSC2 dependent inhibition of TORC1 (Wentink M et al. Clin. Genet., 2012 May;81:453-61; Hoogeveen-Westerveld M et al. Hum. Mutat., 2013 Jan;34:167-75). This amino acid position is highly conserved in available vertebrate species. In addition, this alteration is predicted to be deleterious by in silico analysis. This variant is considered to be rare based on population cohorts in the Genome Aggregation Database (gnomAD). Based on the supporting evidence, this variant is interpreted as a disease-causing mutation.

Baylor Genetics
Classification: Pathogenic for Isolated focal cortical dysplasia type II. Last evaluated: 2023-05-02. Review status: criteria provided, single submitter. Criteria: ACMG Guidelines, 2015. Collection method: clinical testing. Allele origin: unknown.

Myriad Genetics, Inc.
Classification: Likely pathogenic for Tuberous sclerosis 2. Last evaluated: 2023-01-31. Review status: criteria provided, single submitter. Criteria: Myriad Autosomal Dominant, Autosomal Recessive and X-Linked Classification Criteria (2023). Collection method: clinical testing. Allele origin: unknown.
Comment: This variant is considered likely pathogenic. This variant has been reported in multiple individuals with clinical features of gene-specific disease [PMID: 11403047]. Functional studies indicate this variant impacts protein function [PMID: 21332470, 22903760]. This variant is expected to disrupt protein structure [internal Myriad data].

Genome-Nilou Lab
Classification: Likely pathogenic for Tuberous sclerosis 2. Last evaluated: 2021-11-07. Review status: criteria provided, single submitter. Criteria: ACMG Guidelines, 2015. Collection method: clinical testing. Allele origin: germline. Affected: no.

Laboratory for Molecular Medicine, Mass General Brigham Personalized Medicine
Classification: Likely pathogenic for Tuberous sclerosis syndrome. Last evaluated: 2019-12-03. Review status: criteria provided, single submitter. Criteria: ACMG Guidelines, 2015. Collection method: clinical testing. Allele origin: germline. Inheritance: Autosomal dominant inheritance.
Comment: The p.Gln1503Pro variant in TSC2 has been reported in at least 2 individuals with features of tuberous sclerosis 2 syndrome (with neurodevelopmental disorder) and segregated with disease in 14 affected individuals from 2 families (Khare 2001). This variant has also been reported in ClinVar (Variation ID 12401) and was absent from large population studies. Computational prediction tools and conservation analyses suggest that this variant may impact the protein, though this information is not predictive enough to determine pathogenicity. In vitro functional studies support an impact on protein function (Hoogeveen-Westerveld M 2013). In summary, although additional studies are required to fully establish its clinical significance, this variant meets criteria to be classified as likely pathogenic for autosomal dominant Tuberous sclerosis 2 syndrome. ACMG/AMP Criteria applied: PS4_Supporting, PP1_Strong, PM2, PS3_Supporting, PP3.

Women's Health and Genetics/Laboratory Corporation of America, LabCorp
Classification: Pathogenic for Tuberous sclerosis syndrome. Last evaluated: 2017-07-28. Review status: criteria provided, single submitter. Criteria: LabCorp Variant Classification Summary - May 2015. Collection method: clinical testing. Allele origin: germline.
Comment: Variant summary: The TSC2 c.4508A>C (p.Gln1503Pro) variant involves the alteration of a conserved nucleotide that lies within the Rap GTPase activating protein domain (InterPro). 4/4 in silico tools predict a damaging outcome for this variant (SNPsandGO not captured due to low reliability index). This variant is absent in 120242 control chromosomes (ExAC and publication controls). The variant was identified in two families from the same geographical area with multiple affected individuals in each family. While the physical features typical of tuberous sclerosis were mild, affected individuals had significant neuropsychiatric symptoms including pervasive developmental disorder and autism. The variant cosegregated with disease completely in 14 affected and 9 unaffected individuals (Khare_JMG_2001). A functional study revealed the variant was unable to inhibit S6K phosphorylation in cultured cells (Wentink_Clin Genet_2011). In addition, multiple clinical diagnostic laboratories/reputable databases classified this variant as pathogenic. Taken together, this variant is classified as pathogenic.

OMIM
Classification: Pathogenic for TUBEROUS SCLEROSIS 2. Last evaluated: 2001-05-01. Review status: no assertion criteria provided. Collection method: literature only. Allele origin: germline. Not counted in ClinVar's aggregate classification.

GeneReviews
No classification provided. Condition: Tuberous sclerosis 2. Review status: no classification provided. Collection method: literature only. Allele origin: germline. Not counted in ClinVar's aggregate classification.

Tuberous sclerosis database (TSC2)
No classification provided. Condition: TSC. Review status: no classification provided. Criteria: Tuberous Sclerosis Database Assertion Criteria 2015. Collection method: curation. Allele origin: germline. Affected: yes. Not counted in ClinVar's aggregate classification.

Literature cited by the submitters: PubMed 11403047 (cited by 6 submitters); PubMed 21332470 (cited by 5 submitters); PubMed 22903760 (cited by 4 submitters); PubMed 23389244 (cited by Women's Health and Genetics/Laboratory Corporation of America, LabCorp); PubMed 17120248 (cited by Women's Health and Genetics/Laboratory Corporation of America, LabCorp).